The following is an entry in ClinVar:

ClinVar aggregate classification (germline): Likely pathogenic. Review status: reviewed by expert panel (3 of 4 stars). 7 submissions from 7 submitters: Likely pathogenic (1). 6 of the submissions do not count toward it. Last evaluated 2025-01-07.

Conditions:
von Willebrand disease type 1 (VWD1). Also called: VWD, TYPE 1; VON WILLEBRAND DISEASE, TYPE I. Identifiers: Orphanet 166078, Orphanet 903, MedGen C1264039, MONDO:0008668, OMIM 193400. Inheritance: autosomal recessive or autosomal dominant.
von Willebrand disease type 3 (VWD3). Also called: Type 3 Von Willebrand's disease; Type 3 VWD; Von Willebrand disease, severe form; V WD3; VON WILLEBRAND DISEASE, TYPE III. Identifiers: Orphanet 166096, MedGen C1264041, MONDO:0010191, OMIM 277480.
von Willebrand disease type 2 (VWD2). Also called: VWD, TYPE 2; VON WILLEBRAND DISEASE, TYPE 2A/IIE; VON WILLEBRAND DISEASE, TYPE 2CB; VON WILLEBRAND DISEASE, TYPE II. Identifiers: Orphanet 166081, Orphanet 903, MedGen C1264040, MONDO:0013304, OMIM 613554.
von Willebrand disease type 2N (VWD2N). Identifiers: Orphanet 166093, MedGen C1282975, MONDO:0015631.

Allele frequency attached by ClinVar (database versions not stated): TOPMed below 0.00001; gnomAD 0.00001 and 0.00002; gnomAD exomes 0.00001 and 0.00002; ExAC 0.00002.
gnomAD v4.1: 10 of 1,614,050 alleles (0.00062%); highest among the groups gnomAD compares: Admixed American, 0.0033%; no homozygotes.

Submissions (7):

ClinGen von Willebrand Disease Variant Curation Expert Panel, ClinGen
Classification: Likely pathogenic for von Willebrand disease type 2N. Last evaluated: 2025-01-07. Review status: reviewed by expert panel. Criteria: ClinGen VWD 2N Rules. Collection method: curation. Allele origin: germline. Inheritance: Autosomal recessive inheritance.
Comment: The c.2278C>T variant in VWF is a missense variant predicted to cause substitution of Arginine by Cysteine at amino acid 760 (p.Arg760Cys). This variant lies 4 amino acids before the cleavage site for pro-VWF. At least 1 patient with this variant displayed excessive mucocutaneous bleeding as well as low FVIII activity and decreased VWF:FVIII binding 0f 0.23, which is highly specific for VWD type 2N. (PP4_moderate, PMID: 12393698). This individual was compound heterozygous (confirmed in trans by parental testing) for this variant and the p.R854Q variant which was classified as pathogenic by the VCEP (1 PM3 points, PM3). Factor VIII binding assay performed with the p.Arg760Cys recombinant mutant and wt vWF expressed by FUR4BHK cells showed absent binding indicating that this variant has a damaging effect on protein function (PMID: 12393698 )(PS3). The Grpmax filtering allele frequency in gnomAD v4.1 is 0.000007410 (based on 2/60034 alleles in the Admixed American population), which is lower than the ClinGen VWD VCEP threshold of <0.005 for type 2N VWD (PM2_Supporting). The computational predictor REVEL gives a score of 0.219, which is below the ClinGen VWD VCEP threshold of <0.290 and does not predict a damaging effect on VWF function. Additionally, the computational splicing predictor SpliceAI indicated that the variant has no impact on splicing (BP4). In summary, this variant meets the criteria to be classified as Likely Pathogenic for autosomal recessive von Willebrand disease type 2N based on the ACMG/AMP criteria applied, as specified by the ClinGen VWD VCEP: PP4_Moderate, PM2_Supporting, PM3, PS3, and BP4 (VCEP specifications version 1.0.0; date of approval).

Genomic Medicine Center of Excellence, King Faisal Specialist Hospital and Research Centre
Classification: Uncertain significance for von Willebrand disease type 1. Last evaluated: 2024-04-04. Review status: criteria provided, single submitter. Criteria: ACMG Guidelines, 2015. Collection method: clinical testing. Allele origin: germline. Not counted in ClinVar's aggregate classification.

Department of Pathology and Laboratory Medicine, Sinai Health System
Classification: Likely pathogenic for von Willebrand disease type 1; von Willebrand disease type 3. Last evaluated: 2022-11-21. Review status: criteria provided, single submitter. Criteria: ACMG Guidelines, 2015. Collection method: research. Allele origin: germline. Not counted in ClinVar's aggregate classification.

Baylor Genetics
Classification: Likely pathogenic for von Willebrand disease type 2. Last evaluated: 2022-06-27. Review status: criteria provided, single submitter. Criteria: ACMG Guidelines, 2015. Collection method: clinical testing. Allele origin: unknown. Not counted in ClinVar's aggregate classification.

Quest Diagnostics Nichols Institute San Juan Capistrano
Classification: Uncertain significance. Last evaluated: 2021-03-27. Review status: criteria provided, single submitter. Criteria: Quest Diagnostics criteria. Collection method: clinical testing. Allele origin: unknown. Not counted in ClinVar's aggregate classification.

ARUP Laboratories, Molecular Genetics and Genomics, ARUP Laboratories
Classification: Likely pathogenic. Last evaluated: 2021-02-20. Review status: criteria provided, single submitter. Criteria: ARUP Molecular Germline Variant Investigation Process 2021. Collection method: clinical testing. Allele origin: germline. Not counted in ClinVar's aggregate classification.
Comment: The VWF c.2278C>T; p.Arg760Cys variant (rs61748466) is reported in the literature in multiple individuals affected with von Willebrand disease (VWD) type 2N (Casonato 2003, Casonato 2017, Koessler 2011, Veyradier 2011). Functional analyses demonstrate that this variant inhibits the cleavage of the VWF propeptide leading to the persistence of the VWF propeptide, a condition that impairs the FVIII binding capacity of VWF (Casonato 2003). This variant is also reported in ClinVar (Variation ID: 100208). This variant is found in the general population with an overall allele frequency of 0.0018% (5/282708 alleles) in the Genome Aggregation Database. The arginine at codon 760 is highly conserved, but computational analyses are uncertain whether this variant is neutral or deleterious (REVEL: 0.219). Based on available information, this variant is considered to be likely pathogenic. References: Casonato A et al. An Arg760Cys mutation in the consensus sequence of the von Willebrand factor propeptide cleavage site is responsible for a new von Willebrand disease variant. Blood. 2003 Jan 1;101(1):151-6. Casonato A et al. Type 2N von Willebrand disease: Characterization and diagnostic difficulties. Haemophilia. 2018 Jan;24(1):134-140. Koessler J et al. Von Willebrand disease caused by compound heterozygosity for p.r854q and p.r760c: diagnostic and therapeutic implications. Haemophilia. 2011 Jan;17(1):e240-2. Veyradier A et al. Compound heterozygosity or heterozygosity with two mutations in cis on the same allele? A rebuttal to the letter to the Editors: Koessler et al. Von Willebrand disease caused by compound heterozygosity for p.R854Q and p.R760C: diagnostic and therapeutic implications. Haemophilia 2011; 17: e240-2. Haemophilia. 2011 Sep;17(5):e832-3.

Academic Unit of Haematology, University of Sheffield
No classification provided. Review status: no classification provided. Collection method: not provided. Allele origin: not provided. Not counted in ClinVar's aggregate classification.

Literature cited by the submitters: PubMed 12393698 (cited by Quest Diagnostics Nichols Institute San Juan Capistrano).

NM_000552.5(VWF):c.2278C>T (p.Arg760Cys)

Gene: VWF (von Willebrand factor; minus strand). Cytogenetic location: 12p13.31.
Variant type: single nucleotide variant.
Coding change: c.2278C>T on transcript NM_000552.5 (MANE Select); coding-DNA position 2278, C replaced by T.
Protein change: p.Arg760Cys; replaces arginine 760 with cysteine.
Molecular consequence: missense variant.
Genome position (GRCh38, 1-based): chr12:6,046,726, G>A on the plus strand (C>T on the coding strand, the complement: VWF is on the minus strand). VCF-style: chr12-6046726-G-A. GRCh37 (hg19) VCF-style: chr12-6155892-G-A.
Other names: NM_000552.5(VWF):c.2278C>T; p.Arg760Cys; short protein forms R760C.
Identifiers: ClinVar variation 100208 (VCV000100208.13), dbSNP rs61748466, ClinGen allele CA228314.